The following is an entry in ClinVar:

NM_025099.6(CTC1):c.3187C>T (p.Pro1063Ser)

Gene: CTC1 (CST telomere replication complex component 1; minus strand). Cytogenetic location: 17p13.1.
Variant type: single nucleotide variant.
Coding change: c.3187C>T on transcript NM_025099.6 (MANE Select); coding-DNA position 3187, C replaced by T.
Protein change: p.Pro1063Ser; replaces proline 1063 with serine.
Molecular consequence: missense variant. On other transcripts: intron variant (1).
Genome position (GRCh38, 1-based): chr17:8,229,176, G>A on the plus strand (C>T on the coding strand, the complement: CTC1 is on the minus strand). VCF-style: chr17-8229176-G-A. GRCh37 (hg19) VCF-style: chr17-8132494-G-A.
Other names: c.3156+126C>T (NM_001411067.1); short protein forms P1063S.
Identifiers: ClinVar variation 3343260 (VCV003343260.2).

ClinVar aggregate classification (germline): Uncertain significance (1 of 4 stars; one submission).

gnomAD v4.1: 4 of 1,614,132 alleles (0.00025%); highest among the groups gnomAD compares: Admixed American, 0.0033%; no homozygotes.

Submission:

GeneDx
Classification: Uncertain significance. Last evaluated: 2026-01-13. Review status: criteria provided, single submitter. Criteria: GeneDx Variant Classification Process June 2021. Collection method: clinical testing. Allele origin: germline.
Comment: In silico analysis supports that this missense variant has a deleterious effect on protein structure/function; Has not been previously published as pathogenic or benign to our knowledge